The following is an entry in ClinVar:

ClinVar aggregate classification (germline): Uncertain significance (1 of 4 stars; one submission).

Submission:

GeneDx
Classification: Uncertain significance. Last evaluated: 2024-05-14. Review status: criteria provided, single submitter. Criteria: GeneDx Variant Classification Process June 2021. Collection method: clinical testing. Allele origin: germline. Affected: yes.
Comment: Not observed at significant frequency in large population cohorts (gnomAD); In silico analysis indicates that this missense variant does not alter protein structure/function; Has not been previously published as pathogenic or benign to our knowledge

NM_017757.3(ZNF407):c.4931A>G (p.Asn1644Ser)

Gene: ZNF407 (zinc finger protein 407; plus strand). Cytogenetic location: 18q22.3.
Variant type: single nucleotide variant.
Coding change: c.4931A>G on transcript NM_017757.3 (MANE Select); coding-DNA position 4931, A replaced by G.
Protein change: p.Asn1644Ser; replaces asparagine 1644 with serine.
Molecular consequence: missense variant.
Genome position (GRCh38, 1-based): chr18:74,877,250, A>G. VCF-style: chr18-74877250-A-G. GRCh37 (hg19) VCF-style: chr18-72589206-A-G.
Other names: c.4931A>G, p.Asn1644Ser (NM_001146189.1, NM_001384475.1); short protein forms N1644S.
Identifiers: ClinVar variation 3378390 (VCV003378390.1).